The following is an entry in ClinVar:

ClinVar aggregate classification (germline): Likely pathogenic. Review status: reviewed by expert panel (3 of 4 stars). 7 submissions from 7 submitters: Likely pathogenic (1). 6 of the submissions do not count toward it. Last evaluated 2025-08-01.

Conditions:
RYR1-related disorder. Also called: RYR1-related disorders; RYR1-related condition. Identifiers: MedGen CN239331.
Malignant hyperthermia, susceptibility to, 1 (MHS1). Also called: RYR1-Related Malignant Hyperthermia Susceptibility; Malignant hyperthermia suceptibility 1; Anesthesia related hyperthermia; Malignant hyperpyrexia; Fulminating hyperpyrexia; Pharmacogenic myopathy. Identifiers: Orphanet 423, MedGen C2930980, MONDO:0007783, OMIM 145600.
Congenital myopathy with fiber type disproportion. Also called: Congenital fiber-type disproportion myopathy; Congenital fiber-type disproportion. Identifiers: Orphanet 2020, MedGen C0546264, MONDO:0009711. Inheritance: all.

gnomAD v4.1: 1 of 1,614,118 alleles (0.000062%); highest among the groups gnomAD compares: South Asian, 0.0011%; no homozygotes.

Submissions (7):

ClinGen Malignant Hyperthermia Susceptibility Variant Curation Expert Panel, ClinGen
Classification: Likely pathogenic for Malignant hyperthermia, susceptibility to, 1. Last evaluated: 2025-08-01. Review status: reviewed by expert panel. Criteria: RYR1-MHS Interpretation Guidelines V2. Collection method: curation. Allele origin: germline. Inheritance: Autosomal dominant inheritance.
Comment: This pathogenicity assessment is relevant only for malignant hyperthermia susceptibility (MHS) inherited in an autosomal dominant pattern. Variants in RYR1 can also cause other myopathies inherited in an autosomal dominant pattern or in an autosomal recessive pattern. Some of these disorders may predispose individuals to malignant hyperthermia. RYR1 variants may also contribute to a malignant hyperthermia reaction in combination with other genetic and non-genetic factors and the clinician needs to consider such factors in making management decisions. This sequence variant predicts a substitution of aspartic acid with tyrosine at codon 2431 of the RYR1 protein, p.(Asp2431Tyr). This variant was not present in a large population database (gnomAD) at the time this variant was interpreted. This variant has been reported in three unrelated individuals who have a personal or family history of a malignant hyperthermia reaction, three of these individuals had a positive in vitro contracture test (IVCT) or caffeine halothane contracture test (CHCT) result (if the proband was unavailable for testing, a positive diagnostic test result in a mutation-positive relative was counted), PS4_Moderate (PMID:30236257, PMID:30115273). Functional studies in HEK293 cells show an increased sensitivity to RYR1 agonists, PS3_Moderate (PMID:30115273). Another variant assessed as likely pathogenic occurs at this codon, p.(Asp2431Asn), PM5_Supporting. This variant resides in a region of RYR1 considered to be a hotspot for pathogenic variants that contribute to MHS, use PM1_Supporting to avoid overweighting with PM5 (PMID: 21118704). This variant segregates with MHS in three individuals, PP1_Supporting (PMID:30236257). A REVEL score >0.85 (0.964) supports a pathogenic status for this variant, PP3_Moderate. This variant has been classified as Likely Pathogenic. Criteria implemented: PS4_Moderate, PS3_Moderate, PM1_Supporting, PM5_Supporting, PP1, PP3_Moderate.

Labcorp Genetics (formerly Invitae), Labcorp
Classification: Pathogenic for RYR1-related disorder. Last evaluated: 2025-09-06. Review status: criteria provided, single submitter. Criteria: Invitae Variant Classification Sherloc (09022015). Collection method: clinical testing. Allele origin: germline. Not counted in ClinVar's aggregate classification.
Comment: This sequence change replaces aspartic acid, which is acidic and polar, with tyrosine, which is neutral and polar, at codon 2431 of the RYR1 protein (p.Asp2431Tyr). This variant is not present in population databases (gnomAD no frequency). This missense change has been observed in individuals with malignant hyperthermia susceptibility (PMID: 16917943, 19648156, 30115273, 30236257). ClinVar contains an entry for this variant (Variation ID: 133195). Invitae Evidence Modeling of protein sequence and biophysical properties (such as structural, functional, and spatial information, amino acid conservation, physicochemical variation, residue mobility, and thermodynamic stability) indicates that this missense variant is expected to disrupt RYR1 protein function with a positive predictive value of 80%. This variant disrupts the p.Asp2431 amino acid residue in RYR1. Other variant(s) that disrupt this residue have been observed in individuals with RYR1-related conditions (PMID: 11575529, 15448513, 16917943, 30236257), which suggests that this may be a clinically significant amino acid residue. For these reasons, this variant has been classified as Pathogenic.

Victorian Clinical Genetics Services, Murdoch Childrens Research Institute
Classification: Likely pathogenic for Malignant hyperthermia, susceptibility to, 1. Last evaluated: 2024-09-20. Review status: criteria provided, single submitter. Criteria: ACMG Guidelines, 2015. Collection method: clinical testing. Allele origin: germline. Inheritance: Autosomal dominant inheritance. Affected: yes. Not counted in ClinVar's aggregate classification.
Comment: Based on the classification scheme VCGS_Germline_v1.3.4, this variant is classified as Likely pathogenic. Following criteria are met: 0103 - Loss of function and gain of function are known mechanisms of disease in this gene and are associated with RYR1-related disorders (OMIM). Gain of function mechanism has been described in the context of malignant hyperthermia susceptibility 1 (MIM#145600) and autosomal dominant congenital myopathy 1A with susceptibility to malignant hyperthermia (MIM#117000). Autosomal recessive congenital myopathy 1B (MIM#255320) is associated with a loss of function mechanism (PMIDs: 27855725, 23919265). The mechanism of King-Denborough syndrome (MIM#619542) is unclear. (I) 0108 - This gene is associated with both recessive and dominant disease (OMIM). (I) 0200 - Variant is predicted to result in a missense amino acid change from aspartic acid to tyrosine. (I) 0251 - This variant is heterozygous. (I) 0301 - Variant is absent from gnomAD (both v2 and v3). (SP) 0309 - An alternative amino acid change at the same position has been observed in gnomAD (v3: 3 heterozygotes, 0 homozygotes). (I) 0501 - Missense variant consistently predicted to be damaging by multiple in silico tools or highly conserved with a major amino acid change. (SP) 0602 - Variant is located in a hotspot region or cluster of pathogenic variants (PMID: 33767344). (SP) 0704 - Another missense variant comparable to the one identified in this case has limited previous evidence for pathogenicity. p.(Asp2431Asn) has been reported as likely pathogenic by the ClinGen Malignant Hyperthermia Susceptibility Variant Curation Expert Panel and two other clinical laboratories, and as a VUS by one clinical laboratory (ClinVar). In addition, p.(Asp2431Val) has been reported in a family with malignant hyperthermia (PMID: 30236257), and as a VUS by the ClinGen Malignant Hyperthermia Susceptibility Variant Curation Expert Panel (ClinVar). (SP) 0801 - This variant has strong previous evidence of pathogenicity in unrelated individuals. It has been listed as a diagnostic MH pathogenic variant by the European Malignant Hyperthermia Group, and as likely pathogenic by the ClinGen Malignant Hyperthermia Susceptibility Variant Curation Expert Panel (ClinVar). It has also been reported as likely pathogenic/pathogenic by several clinical testing laboratories (ClinVar). This variant has been reported in three unrelated UK families with malignant hyperthermia (PMID: 30236257). (SP) 0906 - Segregation evidence for this variant is inconclusive. Several family members of this individual had been tested for the variant; however, the variant was not shown to definitively segregate with a positive IVCT result (PMID: 30115273). (I) 1002 - This variant has moderate functional evidence supporting abnormal protein function. Functional study showed HEK293 cells with this variant exhibited hypersensitivity to an RYR1 agonist (PMID: 30115273). (SP) 1208 - Inheritance information for this variant is not currently available in this individual. (I) Legend: (SP) - Supporting pathogenic, (I) - Information, (SB) - Supporting benign

Molecular Genetics, Royal Melbourne Hospital
Classification: Pathogenic for Malignant hyperthermia, susceptibility to, 1. Last evaluated: 2023-03-30. Review status: criteria provided, single submitter. Criteria: ACMG Guidelines, 2015. Collection method: clinical testing. Allele origin: germline. Affected: yes. Not counted in ClinVar's aggregate classification.
Comment: This sequence change is predicted to replace aspartic acid with tyrosine at codon 2431 of the RYR1 protein (p.(Asp2431Tyr)). The aspartic acid residue is invariant across species (100 vertebrates, UCSC), and there is a large physicochemical difference between aspartic acid and tyrosine. The variant is absent in a large population cohort (gnomAD v2.1 and v3.0). The prevalence of the variant in an affected cohort is significantly increased compared with the prevalence of a relevant low risk population (PMID: 30236257). The variant is associated with a clinical reaction consistent with malignant hyperthermia (MH) under anaesthesia and confirmed by a positive in vitro contracture tests, and segregates with MH susceptibility in multiple families (PMID: 19648156, 30115273, 30236257). A well-established in vitro functional study is supportive of a gain of function effect on intracellular calcium release for the variant (PMID: 30115273). Multiple lines of computational evidence predict a deleterious effect for the missense substitution (5/5 algorithms). Based on the classification scheme RMH ACMG Guidelines v1.2.1, this variant is classified as PATHOGENIC. Following criteria are met: PS3, PS4, PM2, PP1, PP3, PP4.

GeneDx
Classification: Likely pathogenic. Last evaluated: 2022-04-14. Review status: criteria provided, single submitter. Criteria: GeneDx Variant Classification Process June 2021. Collection method: clinical testing. Allele origin: germline. Affected: yes. Not counted in ClinVar's aggregate classification.
Comment: Not observed at significant frequency in large population cohorts (gnomAD); Published functional studies suggest the variant caused an increased sensitivity to RYR1 agonists (Scheimann et al., 2018); In silico analysis supports that this missense variant has a deleterious effect on protein structure/function; This variant is associated with the following publications: (PMID: 19648156, 16917943, 12668474, 30115273, 30236257)

Centre for Mendelian Genomics, University Medical Centre Ljubljana
Classification: Likely pathogenic for Congenital myopathy 4A, autosomal dominant. Last evaluated: 2019-01-02. Review status: criteria provided, single submitter. Criteria: ACMG Guidelines, 2015. Collection method: clinical testing. Allele origin: unknown. Affected: yes. Not counted in ClinVar's aggregate classification.
Comment: This variant was classified as: Likely pathogenic. The following ACMG criteria were applied in classifying this variant: PM2,PM5,PP2,PP3,PP5.

RYR1 database
No classification provided. Review status: no classification provided. Collection method: not provided. Allele origin: unknown. Not counted in ClinVar's aggregate classification.

Literature cited by the submitters: PubMed 16917943 (cited by Labcorp Genetics (formerly Invitae), Labcorp); PubMed 19648156 (cited by Labcorp Genetics (formerly Invitae), Labcorp and Molecular Genetics, Royal Melbourne Hospital); PubMed 30115273 (cited by 3 submitters); PubMed 30236257 (cited by 3 submitters); PubMed 11575529 (cited by Labcorp Genetics (formerly Invitae), Labcorp); PubMed 15448513 (cited by Labcorp Genetics (formerly Invitae), Labcorp); PubMed 23919265 (cited by Victorian Clinical Genetics Services, Murdoch Childrens Research Institute); PubMed 27855725 (cited by Victorian Clinical Genetics Services, Murdoch Childrens Research Institute); PubMed 33767344 (cited by Victorian Clinical Genetics Services, Murdoch Childrens Research Institute).

NM_000540.3(RYR1):c.7291G>T (p.Asp2431Tyr)

Gene: RYR1 (ryanodine receptor 1; plus strand). Cytogenetic location: 19q13.2.
Variant type: single nucleotide variant.
Coding change: c.7291G>T on transcript NM_000540.3 (MANE Select); coding-DNA position 7291, G replaced by T.
Protein change: p.Asp2431Tyr; replaces aspartic acid 2431 with tyrosine.
Molecular consequence: missense variant.
Genome position (GRCh38, 1-based): chr19:38,499,984, G>T. VCF-style: chr19-38499984-G-T. GRCh37 (hg19) VCF-style: chr19-38990624-G-T.
Other names: NM_000540.2(RYR1):c.7291G>T; c.7291G>T, p.Asp2431Tyr (NM_001042723.2); short protein forms D2431Y.
Identifiers: ClinVar variation 133195 (VCV000133195.20), dbSNP rs193922810, ClinGen allele CA024744.